The following is an entry in ClinVar:

ClinVar aggregate classification (germline): Uncertain significance. Review status: criteria provided, multiple submitters, no conflicts (2 of 4 stars). 2 submissions from 2 submitters: Uncertain significance (2). Last evaluated 2025-06-09.

Conditions:
Inborn genetic diseases. Identifiers: MedGen C0950123, MeSH D030342.

gnomAD v4.1: 5 of 1,614,050 alleles (0.00031%); highest among the groups gnomAD compares: African/African-American, 0.0013%; no homozygotes.

Submissions (2):

Labcorp Genetics (formerly Invitae), Labcorp
Classification: Uncertain significance. Last evaluated: 2025-06-09. Review status: criteria provided, single submitter. Criteria: Invitae Variant Classification Sherloc (09022015). Collection method: clinical testing. Allele origin: germline.
Comment: This sequence change replaces valine, which is neutral and non-polar, with isoleucine, which is neutral and non-polar, at codon 462 of the SEC61A1 protein (p.Val462Ile). This variant is present in population databases (rs750396475, gnomAD 0.0009%). This variant has not been reported in the literature in individuals affected with SEC61A1-related conditions. ClinVar contains an entry for this variant (Variation ID: 3439222). Invitae Evidence Modeling of protein sequence and biophysical properties (such as structural, functional, and spatial information, amino acid conservation, physicochemical variation, residue mobility, and thermodynamic stability) indicates that this missense variant is not expected to disrupt SEC61A1 protein function with a negative predictive value of 80%. In summary, the available evidence is currently insufficient to determine the role of this variant in disease. Therefore, it has been classified as a Variant of Uncertain Significance.

Ambry Genetics
Classification: Uncertain significance for Inborn genetic diseases. Last evaluated: 2024-08-10. Review status: criteria provided, single submitter. Criteria: Ambry Variant Classification Scheme 2023. Collection method: clinical testing. Allele origin: germline.

NM_013336.4(SEC61A1):c.1384G>A (p.Val462Ile)

Genes: RUVBL1 (RuvB like AAA ATPase 1; minus strand), SEC61A1 (SEC61 translocon subunit alpha 1; plus strand). Cytogenetic location: 3q21.3.
Variant type: single nucleotide variant.
Coding change: c.1384G>A on transcript NM_013336.4 (MANE Select); coding-DNA position 1384, G replaced by A.
Protein change: p.Val462Ile; replaces valine 462 with isoleucine.
Molecular consequence: missense variant. On other transcripts: intron variant (1).
Genome position (GRCh38, 1-based): chr3:128,069,615, G>A. VCF-style: chr3-128069615-G-A. GRCh37 (hg19) VCF-style: chr3-127788458-G-A.
Other names: c.1402G>A, p.Val468Ile (NM_001400328.1); c.1225G>A, p.Val409Ile (NM_001400329.1); c.940-4395C>T (NM_001319086.1); short protein forms V468I, V409I, V462I.
Identifiers: ClinVar variation 3439222 (VCV003439222.1).